The following is an entry in ClinVar:

ClinVar aggregate classification (germline): Conflicting classifications of pathogenicity. Review status: criteria provided, conflicting classifications (1 of 4 stars). 6 submissions from 6 submitters: Uncertain significance (5); Likely benign (1). Last evaluated 2025-06-05.

Conditions:
Colorectal cancer, susceptibility to, 12 (CRCS12). Also called: COLORECTAL CANCER, SUSCEPTIBILITY TO, ON CHROMOSOME 12q24. Identifiers: Orphanet 220460, MedGen C3554460, MONDO:0014038, OMIM 615083.
Facial dysmorphism-immunodeficiency-livedo-short stature syndrome. Also called: Facial dysmorphism, immunodeficiency, livedo, and short stature; FILS syndrome. Identifiers: Orphanet 352712, MedGen C3554576, MONDO:0014058, OMIM 615139.
Intrauterine growth retardation, metaphyseal dysplasia, adrenal hypoplasia congenita, genital anomalies, and immunodeficiency. Also called: IMAGEI SYNDROME. Identifiers: MedGen C5193036, MONDO:0032684, OMIM 618336.
Hereditary cancer-predisposing syndrome. Also called: Neoplastic Syndromes, Hereditary; Tumor predisposition; Hereditary Cancer Syndrome; Hereditary neoplastic syndrome. Identifiers: Orphanet 140162, MedGen C0027672, MeSH D009386, MONDO:0015356.

Allele frequency attached by ClinVar (database versions not stated): gnomAD below 0.00001 and 0.00005; TOPMed 0.00001; gnomAD exomes 0.00003 and 0.00007; ExAC 0.00007.
gnomAD v4.1: 60 of 1,614,042 alleles (0.0037%); highest among the groups gnomAD compares: South Asian, 0.059%; no homozygotes.

Submissions (6):

GeneDx
Classification: Uncertain significance. Last evaluated: 2025-06-05. Review status: criteria provided, single submitter. Criteria: GeneDx Variant Classification Process June 2021. Collection method: clinical testing. Allele origin: germline. Affected: yes.
Comment: In silico analysis supports that this missense variant has a deleterious effect on protein structure/function; Has not been previously published as pathogenic or benign to our knowledge

Labcorp Genetics (formerly Invitae), Labcorp
Classification: Uncertain significance. Last evaluated: 2024-12-19. Review status: criteria provided, single submitter. Criteria: Invitae Variant Classification Sherloc (09022015). Collection method: clinical testing. Allele origin: germline.
Comment: This sequence change replaces proline, which is neutral and non-polar, with serine, which is neutral and polar, at codon 2091 of the POLE protein (p.Pro2091Ser). This variant is present in population databases (rs572252265, gnomAD 0.06%). This variant has not been reported in the literature in individuals affected with POLE-related conditions. ClinVar contains an entry for this variant (Variation ID: 473789). Invitae Evidence Modeling of protein sequence and biophysical properties (such as structural, functional, and spatial information, amino acid conservation, physicochemical variation, residue mobility, and thermodynamic stability) indicates that this missense variant is not expected to disrupt POLE protein function with a negative predictive value of 80%. In summary, the available evidence is currently insufficient to determine the role of this variant in disease. Therefore, it has been classified as a Variant of Uncertain Significance.

Ambry Genetics
Classification: Uncertain significance for Hereditary cancer-predisposing syndrome. Last evaluated: 2024-12-13. Review status: criteria provided, single submitter. Criteria: Ambry Variant Classification Scheme 2023. Collection method: clinical testing. Allele origin: germline.
Comment: The p.P2091S variant (also known as c.6271C>T), located in coding exon 45 of the POLE gene, results from a C to T substitution at nucleotide position 6271. The proline at codon 2091 is replaced by serine, an amino acid with similar properties. This amino acid position is highly conserved in available vertebrate species. In addition, the in silico prediction for this alteration is inconclusive. Based on the available evidence, the clinical significance of this variant remains unclear.

Fulgent Genetics
Classification: Uncertain significance for Colorectal cancer, susceptibility to, 12; Facial dysmorphism-immunodeficiency-livedo-short stature syndrome; Intrauterine growth retardation, metaphyseal dysplasia, adrenal hypoplasia congenita, genital anomalies, and immunodeficiency. Last evaluated: 2024-04-29. Review status: criteria provided, single submitter. Criteria: ACMG Guidelines, 2015. Collection method: clinical testing. Allele origin: germline.

Quest Diagnostics Nichols Institute San Juan Capistrano
Classification: Likely benign. Last evaluated: 2017-12-27. Review status: criteria provided, single submitter. Criteria: Quest Diagnostics criteria. Collection method: clinical testing. Allele origin: germline.

Neuberg Centre For Genomic Medicine, NCGM
Classification: Uncertain significance for Colorectal cancer, susceptibility to, 12. Review status: criteria provided, single submitter. Criteria: ACMG Guidelines, 2015. Collection method: clinical testing. Allele origin: germline. Inheritance: Autosomal dominant inheritance. Affected: yes.
Comment: The missense c.6271C>T p.Pro2091Ser variant in the POLE gene has not been reported previously as a pathogenic variant nor as a benign variant, to our knowledge. The variant is novel not in any individuals in gnomAD Exomes and 1000 Genom This variant is reported with the allele frequency 0.007% in the gnomAD Exomes and novel in 1000 Genomes. This variant has been reported to the ClinVar database as Uncertain Significance. However, no details are available for independent assessment. The amino acid Proline at position 2091 is changed to a Serine changing protein sequence and it might alter its composition and physico-chemical properties. The amino acid change p.Pro2091Ser in POLE is predicted as conserved by GERP++ and PhyloP across 100 vertebrates. For these reasons, this variant has been classified as Uncertain Significance.

NM_006231.4(POLE):c.6271C>T (p.Pro2091Ser)

Gene: POLE (DNA polymerase epsilon, catalytic subunit; minus strand). Cytogenetic location: 12q24.33.
Variant type: single nucleotide variant.
Coding change: c.6271C>T on transcript NM_006231.4 (MANE Select); coding-DNA position 6271, C replaced by T.
Protein change: p.Pro2091Ser; replaces proline 2091 with serine.
Molecular consequence: missense variant.
Genome position (GRCh38, 1-based): chr12:132,632,374, G>A on the plus strand (C>T on the coding strand, the complement: POLE is on the minus strand). VCF-style: chr12-132632374-G-A. GRCh37 (hg19) VCF-style: chr12-133208960-G-A.
Other names: short protein forms P2091S.
Identifiers: ClinVar variation 473789 (VCV000473789.18), dbSNP rs572252265, ClinGen allele CA6892237.